The following is an entry in ClinVar:

ClinVar aggregate classification (germline): Uncertain significance (1 of 4 stars; one submission).

Submission:

GeneDx
Classification: Uncertain significance. Last evaluated: 2024-09-11. Review status: criteria provided, single submitter. Criteria: GeneDx Variant Classification Process June 2021. Collection method: clinical testing. Allele origin: germline. Affected: yes.
Comment: Not observed at significant frequency in large population cohorts (gnomAD); In silico analysis indicates that this missense variant does not alter protein structure/function; Has not been previously published as pathogenic or benign to our knowledge

NM_000748.3(CHRNB2):c.334A>G (p.Ile112Val)

Gene: CHRNB2 (cholinergic receptor nicotinic beta 2 subunit; plus strand). Cytogenetic location: 1q21.3.
Variant type: single nucleotide variant.
Coding change: c.334A>G on transcript NM_000748.3 (MANE Select); coding-DNA position 334, A replaced by G.
Protein change: p.Ile112Val; replaces isoleucine 112 with valine.
Molecular consequence: missense variant.
Genome position (GRCh38, 1-based): chr1:154,570,336, A>G. VCF-style: chr1-154570336-A-G. GRCh37 (hg19) VCF-style: chr1-154542812-A-G.
Other names: short protein forms I112V.
Identifiers: ClinVar variation 3769970 (VCV003769970.1).